The following is an entry in ClinVar:

NM_005902.4(SMAD3):c.773A>G (p.Asp258Gly)

Gene: SMAD3 (SMAD family member 3; plus strand). Cytogenetic location: 15q22.33.
Variant type: single nucleotide variant.
Coding change: c.773A>G on transcript NM_005902.4 (MANE Select); coding-DNA position 773, A replaced by G.
Protein change: p.Asp258Gly; replaces aspartic acid 258 with glycine.
Molecular consequence: missense variant.
Genome position (GRCh38, 1-based): chr15:67,181,355, A>G. VCF-style: chr15-67181355-A-G. GRCh37 (hg19) VCF-style: chr15-67473693-A-G.
Other names: c.458A>G, p.Asp153Gly (NM_001145102.2); c.641A>G, p.Asp214Gly (NM_001145103.2); c.188A>G, p.Asp63Gly (NM_001145104.2); short protein forms D258G, D153G, D63G, D214G.
Identifiers: ClinVar variation 566604 (VCV000566604.8), dbSNP rs1566999483, ClinGen allele CA392956234.
Genomic context (GRCh38, chr15:67,181,355, plus strand): 5'-ACGAGCTGAACCAGCGCGTCGGGGAGACATTCCACGCCTCGCAGCCATCCATGACTGTGG[A>G]TGGCTTCACCGACCCCTCCAATTCGGAGCGCTTCTGCCTAGGGCTGCTCTCCAATGTCAA-3'
Protein context (NP_005893.1, residues 248-268): FHASQPSMTV[Asp258Gly]GFTDPSNSER

ClinVar aggregate classification (germline): Uncertain significance (1 of 4 stars; one submission).

Conditions:
Familial thoracic aortic aneurysm and aortic dissection (TAAD). Also called: Thoracic aortic aneurysms and dissections. Identifiers: Orphanet 91387, MedGen C4707243, MONDO:0019625.

Submission:

Labcorp Genetics (formerly Invitae), Labcorp
Classification: Uncertain significance for Familial thoracic aortic aneurysm and aortic dissection. Last evaluated: 2018-01-02. Review status: criteria provided, single submitter. Criteria: Invitae Variant Classification Sherloc (09022015). Collection method: clinical testing. Allele origin: germline.
Comment: In summary, the available evidence is currently insufficient to determine the role of this variant in disease. Therefore, it has been classified as a Variant of Uncertain Significance. Algorithms developed to predict the effect of missense changes on protein structure and function do not agree on the potential impact of this missense change (SIFT: "Deleterious"; PolyPhen-2: "Possibly Damaging"; Align-GVGD: "Class C0"). This variant has not been reported in the literature in individuals with SMAD3-related disease. This variant is not present in population databases (ExAC no frequency). This sequence change replaces aspartic acid with glycine at codon 258 of the SMAD3 protein (p.Asp258Gly). The aspartic acid residue is highly conserved and there is a moderate physicochemical difference between aspartic acid and glycine.